The following is an entry in ClinVar:

NM_019066.5(MAGEL2):c.2713T>C (p.Phe905Leu)

Gene: MAGEL2 (MAGE family member L2; minus strand). Cytogenetic location: 15q11.2.
Variant type: single nucleotide variant.
Coding change: c.2713T>C on transcript NM_019066.5 (MANE Select); coding-DNA position 2713, T replaced by C.
Protein change: p.Phe905Leu; replaces phenylalanine 905 with leucine.
Molecular consequence: missense variant.
Genome position (GRCh38, 1-based): chr15:23,645,030, A>G on the plus strand (T>C on the coding strand, the complement: MAGEL2 is on the minus strand). VCF-style: chr15-23645030-A-G. GRCh37 (hg19) VCF-style: chr15-23890177-A-G.
Other names: short protein forms F905L.
Identifiers: ClinVar variation 3349086 (VCV003349086.1).

ClinVar aggregate classification (germline): Uncertain significance (0 of 4 stars; one submission).

Conditions:
MAGEL2-related disorder. Also called: MAGEL2-related condition.

Submission:

PreventionGenetics, part of Exact Sciences
Classification: Uncertain significance for MAGEL2-related condition. Last evaluated: 2023-10-25. Review status: no assertion criteria provided. Collection method: clinical testing. Allele origin: germline.
Comment: The MAGEL2 c.2713T>C variant is predicted to result in the amino acid substitution p.Phe905Leu. To our knowledge, this variant has not been reported in the literature or in a large population database, indicating this variant is rare. At this time, the clinical significance of this variant is uncertain due to the absence of conclusive functional and genetic evidence.